The following is an entry in ClinVar:

NM_015991.4(C1QA):c.733G>C (p.Ala245Pro)

Gene: C1QA (complement C1q A chain; plus strand). Cytogenetic location: 1p36.12.
Variant type: single nucleotide variant.
Coding change: c.733G>C on transcript NM_015991.4 (MANE Select); coding-DNA position 733, G replaced by C.
Protein change: p.Ala245Pro; replaces alanine 245 with proline.
Molecular consequence: missense variant.
Genome position (GRCh38, 1-based): chr1:22,639,402, G>C. VCF-style: chr1-22639402-G-C. GRCh37 (hg19) VCF-style: chr1-22965895-G-C.
Other names: c.733G>C, p.Ala245Pro (NM_001347465.2, NM_001347466.2); short protein forms A245P.
Identifiers: ClinVar variation 4700814 (VCV004700814.1).

ClinVar aggregate classification (germline): Uncertain significance (1 of 4 stars; one submission).

gnomAD v4.1: 2 of 1,613,180 alleles (0.00012%); highest among the groups gnomAD compares: Middle Eastern, 0.033%; no homozygotes.

Submission:

Labcorp Genetics (formerly Invitae), Labcorp
Classification: Uncertain significance. Last evaluated: 2025-10-27. Review status: criteria provided, single submitter. Criteria: Invitae Variant Classification Sherloc (09022015). Collection method: clinical testing. Allele origin: germline.
Comment: This sequence change replaces alanine, which is neutral and non-polar, with proline, which is neutral and non-polar, at codon 245 of the C1QA protein (p.Ala245Pro). This variant is not present in population databases (gnomAD no frequency). This variant has not been reported in the literature in individuals affected with C1QA-related conditions. An algorithm developed to predict the effect of missense changes on protein structure and function (PolyPhen-2) suggests that this variant is likely to be tolerated. In summary, the available evidence is currently insufficient to determine the role of this variant in disease. Therefore, it has been classified as a Variant of Uncertain Significance.